The following is an entry in ClinVar:

NM_139137.4(KCNC2):c.1405G>C (p.Val469Leu)

Gene: KCNC2 (potassium voltage-gated channel subfamily C member 2; minus strand). Cytogenetic location: 12q21.1.
Variant type: single nucleotide variant.
Coding change: c.1405G>C on transcript NM_139137.4 (MANE Select); coding-DNA position 1405, G replaced by C.
Protein change: p.Val469Leu; replaces valine 469 with leucine.
Molecular consequence: missense variant. On other transcripts: non-coding transcript variant (1).
Genome position (GRCh38, 1-based): chr12:75,050,600, C>G on the plus strand (G>C on the coding strand, the complement: KCNC2 is on the minus strand). VCF-style: chr12-75050600-C-G. GRCh37 (hg19) VCF-style: chr12-75444380-C-G.
Other names: c.1405G>C, p.Val469Leu (NM_001260497.2, NM_001260498.2, NM_001260499.2 and 13 more transcripts); short protein forms V469L.
Identifiers: ClinVar variation 3775571 (VCV003775571.2).
Genomic context (GRCh38, chr12:75,050,600, plus strand): 5'-GTTTCTGCTTTGCCATTGCCAAGGAGTAGTACATTCCAAAATTATTGACAATGACAGGCA[C>G]TGGCATGGCTATTGTCAGCACTCCAGCCAGAGCACACAGGGCTCCCACCAGCATGCCTGA-3'
Protein context (NP_631875.1, residues 459-479): LAGVLTIAMP[Val469Leu]PVIVNNFGMY

ClinVar aggregate classification (germline): Pathogenic/Likely pathogenic. Review status: criteria provided, multiple submitters, no conflicts (2 of 4 stars). 2 submissions from 2 submitters: Pathogenic (1); Likely pathogenic (1). Last evaluated 2024-01-11.

Conditions:
Developmental and epileptic encephalopathy 103 (DEE103). Identifiers: MedGen C5677002, MONDO:0030957, OMIM 619913.
KCNC2-related disorder.

Submissions (2):

3billion
Classification: Likely pathogenic for Developmental and epileptic encephalopathy 103. Last evaluated: 2024-01-11. Review status: criteria provided, single submitter. Criteria: ACMG Guidelines, 2015. Collection method: clinical testing. Allele origin: germline. Affected: yes.
Comment: The variant is not observed in the gnomAD v2.1.1 dataset. Predicted Consequence/Location: Missense changes are a common disease-causing mechanism. In silico tool predictions suggest damaging effect of the variant on gene or gene product [REVEL: 0.91 (>=0.6, sensitivity 0.68 and specificity 0.92); 3Cnet: 0.98 (>=0.6, sensitivity 0.72 and precision 0.9)]. Different nucleotide change resulting in same amino acid change has been previously reported to be associated with KCNC2 related disorder(PMID: 36035247). The variant has been previously reported as assumed (i.e. paternity and maternity not confirmed) de novo in at least one similarly affected unrelated individual (PMID: 36035247). Therefore, this variant is classified as Likely pathogenic according to the recommendation of ACMG/AMP guideline.

Blueprint Genetics
Classification: Pathogenic for KCNC2-related disorders. Last evaluated: 2022-03-01. Review status: criteria provided, single submitter. Criteria: ACMG Guidelines, 2015. Collection method: clinical testing. Allele origin: de novo. Affected: yes. Observed: 1 variant allele.

Literature cited by the submitters: PubMed 36035247 (cited by 3billion).